The following is an entry in ClinVar:

ClinVar aggregate classification (germline): Pathogenic (1 of 4 stars; one submission).

Conditions:
Long QT syndrome (LQTS). Identifiers: MedGen C0023976, MeSH D008133, MONDO:0002442. Disease mechanism: loss of function. Inheritance: Various modes of inheritance.

Submission:

Labcorp Genetics (formerly Invitae), Labcorp
Classification: Pathogenic for Long QT syndrome. Last evaluated: 2023-08-03. Review status: criteria provided, single submitter. Criteria: Invitae Variant Classification Sherloc (09022015). Collection method: clinical testing. Allele origin: germline.
Comment: For these reasons, this variant has been classified as Pathogenic. ClinVar contains an entry for this variant (Variation ID: 1457098). This variant has not been reported in the literature in individuals affected with KCNQ1-related conditions. This variant is not present in population databases (gnomAD no frequency). This sequence change creates a premature translational stop signal (p.Leu101*) in the KCNQ1 gene. It is expected to result in an absent or disrupted protein product. Loss-of-function variants in KCNQ1 are known to be pathogenic (PMID: 9323054, 19862833).

Literature cited by the submitters: PubMed 9323054; PubMed 19862833.

NM_000218.3(KCNQ1):c.302T>A (p.Leu101Ter)

Gene: KCNQ1 (potassium voltage-gated channel subfamily Q member 1; plus strand). Cytogenetic location: 11p15.5.
Variant type: single nucleotide variant.
Coding change: c.302T>A on transcript NM_000218.3 (MANE Select); coding-DNA position 302, T replaced by A.
Protein change: p.Leu101Ter; replaces leucine 101 with a stop codon.
Molecular consequence: nonsense.
Genome position (GRCh38, 1-based): chr11:2,445,400, T>A. VCF-style: chr11-2445400-T-A. GRCh37 (hg19) VCF-style: chr11-2466630-T-A.
Other names: short protein forms L101*.
Identifiers: ClinVar variation 1457098 (VCV001457098.6), dbSNP rs2133560140, ClinGen allele CA379117340.